The following is an entry in ClinVar:

NM_174936.4(PCSK9):c.1300C>A (p.Arg434=)

Gene: PCSK9 (proprotein convertase subtilisin/kexin type 9; plus strand). Cytogenetic location: 1p32.3.
Variant type: single nucleotide variant.
Coding change: c.1300C>A on transcript NM_174936.4 (MANE Select); coding-DNA position 1300, C replaced by A.
Protein change: p.Arg434=; no amino-acid change (arginine 434 retained).
Molecular consequence: synonymous variant. On other transcripts: non-coding transcript variant (8), intron variant (2).
Genome position (GRCh38, 1-based): chr1:55,058,155, C>A. VCF-style: chr1-55058155-C-A. GRCh37 (hg19) VCF-style: chr1-55523828-C-A.
Other names: c.1423C>A, p.Arg475= (NM_001407240.1); c.1300C>A, p.Arg434= (NM_001407241.1); c.1303C>A, p.Arg435= (NM_001407242.1); c.1243C>A, p.Arg415= (NM_001407243.1); c.1108C>A, p.Arg370= (NM_001407245.1); c.925C>A, p.Arg309= (NM_001407246.1); c.1181-344C>A (NM_001407244.1); c.1180+641C>A (NM_001407247.1).
Identifiers: ClinVar variation 5041401 (VCV005041401.1).

ClinVar aggregate classification (germline): Likely benign (1 of 4 stars; one submission).

Submission:

CeGaT Center for Human Genetics Tuebingen
Classification: Likely benign. Last evaluated: 2026-09-01. Review status: criteria provided, single submitter. Criteria: CeGaT Center For Human Genetics Tuebingen Variant Classification Criteria Version 2. Collection method: clinical testing. Allele origin: germline. Affected: yes. Observed: 1 variant allele.
Comment: PCSK9: PM2:Supporting, BP4, BP7